The following is an entry in ClinVar:

NM_031407.7(HUWE1):c.4457A>G (p.Asn1486Ser)

Gene: HUWE1 (HECT, UBA and WWE domain containing E3 ubiquitin protein ligase 1; minus strand). Cytogenetic location: Xp11.22.
Variant type: single nucleotide variant.
Coding change: c.4457A>G on transcript NM_031407.7 (MANE Select); coding-DNA position 4457, A replaced by G.
Protein change: p.Asn1486Ser; replaces asparagine 1486 with serine.
Molecular consequence: missense variant.
Genome position (GRCh38, 1-based): chrX:53,589,551, T>C on the plus strand (A>G on the coding strand, the complement: HUWE1 is on the minus strand). VCF-style: chrX-53589551-T-C. GRCh37 (hg19) VCF-style: chrX-53616511-T-C.
Other names: short protein forms N1486S.
Identifiers: ClinVar variation 2721991 (VCV002721991.3), dbSNP rs2525901395, ClinGen allele CA413176273.

ClinVar aggregate classification (germline): Uncertain significance (1 of 4 stars; one submission).

Allele frequency attached by ClinVar (database versions not stated): gnomAD exomes below 0.00001.
gnomAD v4.1: 3 of 1,211,350 alleles (0.00025%); highest among the groups gnomAD compares: Non-Finnish European, 0.00034%; no homozygotes.

Submission:

Labcorp Genetics (formerly Invitae), Labcorp
Classification: Uncertain significance. Last evaluated: 2023-04-20. Review status: criteria provided, single submitter. Criteria: Invitae Variant Classification Sherloc (09022015). Collection method: clinical testing. Allele origin: germline.
Comment: In summary, the available evidence is currently insufficient to determine the role of this variant in disease. Therefore, it has been classified as a Variant of Uncertain Significance. Advanced modeling of protein sequence and biophysical properties (such as structural, functional, and spatial information, amino acid conservation, physicochemical variation, residue mobility, and thermodynamic stability) has been performed at Invitae for this missense variant, however the output from this modeling did not meet the statistical confidence thresholds required to predict the impact of this variant on HUWE1 protein function. This variant has not been reported in the literature in individuals affected with HUWE1-related conditions. This variant is not present in population databases (gnomAD no frequency). This sequence change replaces asparagine, which is neutral and polar, with serine, which is neutral and polar, at codon 1486 of the HUWE1 protein (p.Asn1486Ser).